The following is an entry in ClinVar:

NM_001845.6(COL4A1):c.2787C>T (p.Val929=)

Gene: COL4A1 (collagen type IV alpha 1 chain; minus strand). Cytogenetic location: 13q34.
Variant type: single nucleotide variant.
Coding change: c.2787C>T on transcript NM_001845.6 (MANE Select); coding-DNA position 2787, C replaced by T.
Protein change: p.Val929=; no amino-acid change (valine 929 retained).
Molecular consequence: synonymous variant.
Genome position (GRCh38, 1-based): chr13:110,176,967, G>A on the plus strand (C>T on the coding strand, the complement: COL4A1 is on the minus strand). VCF-style: chr13-110176967-G-A. GRCh37 (hg19) VCF-style: chr13-110829314-G-A.
Other names: c.2787C>T (NM_001845.5).
Identifiers: ClinVar variation 1947574 (VCV001947574.6), dbSNP rs1264014056, ClinGen allele CA484789752.
Genomic context (GRCh38, chr13:110,176,967, plus strand): 5'-CTGGCCCTTCATGCTGCCCATGTCCACCTTATCCATGGAGCCAGGCTTGCCAGGGAGACC[G>A]ACATCCCCCTTATCACCTTTCAAGCCAGGGTCTCCCCTGGGTCCTGAGGAGCCCGGAAAG-3'
Protein context (NP_001836.3, residues 919-939): DPGLKGDKGD[Val929=]GLPGKPGSMD

ClinVar aggregate classification (germline): Likely benign. Review status: criteria provided, multiple submitters, no conflicts (2 of 4 stars). 2 submissions from 2 submitters: Likely benign (2). Last evaluated 2026-07-19.

Conditions:
COL4A1-related disorder. Also called: COL4A1-related disorders; COL4A1-related condition. Identifiers: MedGen CN376119, MONDO:0800461.

Allele frequency attached by ClinVar (database versions not stated): gnomAD 0.00001; gnomAD exomes 0.00001.
gnomAD v4.1: 9 of 1,614,118 alleles (0.00056%); highest among the groups gnomAD compares: South Asian, 0.0033%; no homozygotes.

Submissions (2):

PreventionGenetics, part of Exact Sciences
Classification: Likely benign for COL4A1-related condition. Last evaluated: 2026-07-19. Review status: criteria provided, single submitter. Criteria: ACMG Guidelines, 2015. Collection method: clinical testing. Allele origin: germline.
Comment: This variant is classified as likely benign based on ACMG/AMP sequence variant interpretation guidelines (Richards et al. 2015 PMID: 25741868, with internal and published modifications).

Labcorp Genetics (formerly Invitae), Labcorp
Classification: Likely benign. Last evaluated: 2025-02-03. Review status: criteria provided, single submitter. Criteria: Invitae Variant Classification Sherloc (09022015). Collection method: clinical testing. Allele origin: germline.